The following is an entry in ClinVar:

ClinVar aggregate classification (germline): Uncertain significance. Review status: criteria provided, multiple submitters, no conflicts (2 of 4 stars). 9 submissions from 9 submitters: Uncertain significance (8). 1 of the submissions does not count toward it. Last evaluated 2026-04-15.

Conditions:
MSH6-related disorder. Also called: MSH6-Related disorders; MSH6-related condition.
Hereditary nonpolyposis colorectal neoplasms. Identifiers: MedGen C0009405, MeSH D003123.
Hereditary cancer-predisposing syndrome. Also called: Tumor predisposition; Neoplastic Syndromes, Hereditary; Hereditary neoplastic syndrome; Hereditary Cancer Syndrome. Identifiers: Orphanet 140162, MedGen C0027672, MeSH D009386, MONDO:0015356.
Lynch syndrome. Identifiers: Orphanet 144, MedGen C4552100, MONDO:0005835. Disease mechanism: loss of function.
Endometrial carcinoma. Also called: Endometrial carcinoma, somatic. Identifiers: MedGen C0476089, MONDO:0002447, OMIM 608089, HP:0012114.

Submissions (9):

PreventionGenetics, part of Exact Sciences
Classification: Uncertain significance for MSH6-related condition. Last evaluated: 2026-04-15. Review status: criteria provided, single submitter. Criteria: ACMG Guidelines, 2015. Collection method: clinical testing. Allele origin: germline.
Comment: The MSH6 c.1474_1476delATG variant is predicted to result in an in-frame deletion (p.Met492del). This variant has been reported in the heterozygous state in two individuals with breast cancer (Supporting Data, Tung et al. 2014. PubMed ID: 25186627; Supporting Data, Lerner-Ellis et al. 2021. PubMed ID: 32885271) and one individual with suspected Lynch syndrome (Table S1, Yurgelun et al. 2015. PubMed ID: 25980754). This variant is reported in 0.0062% of alleles in individuals of African descent in gnomAD and is classified as uncertain by multiple institutions in ClinVar (Variation ID: 142597). At this time, the clinical significance of this variant is uncertain due to the absence of conclusive functional and genetic evidence.

Ambry Genetics
Classification: Uncertain significance for Hereditary cancer-predisposing syndrome. Last evaluated: 2025-04-18. Review status: criteria provided, single submitter. Criteria: Ambry Variant Classification Scheme 2023. Collection method: clinical testing. Allele origin: germline.
Comment: The c.1474_1476delATG variant (also known as p.M492del) is located in coding exon 4 of the MSH6 gene. This variant results from an in-frame ATG deletion at nucleotide positions 1474 to 1476. This results in the in-frame deletion of a methionine at codon 492. This alteration was identified in a cohort of 1260 individuals undergoing panel testing for Lynch syndrome due to having a diagnosis of a Lynch-associated cancer and/or polyps (Yurgelun MB et al. Gastroenterology, 2015 Sep;149:604-13.e20). This amino acid position is highly conserved in available vertebrate species. In addition, this alteration is predicted to be deleterious by in silico analysis (Choi Y et al. PLoS ONE. 2012; 7(10):e46688). Based on the available evidence, the clinical significance of this variant remains unclear.

Labcorp Genetics (formerly Invitae), Labcorp
Classification: Uncertain significance for Hereditary nonpolyposis colorectal neoplasms. Last evaluated: 2025-01-26. Review status: criteria provided, single submitter. Criteria: Invitae Variant Classification Sherloc (09022015). Collection method: clinical testing. Allele origin: germline.
Comment: This variant, c.1474_1476del, results in the deletion of 1 amino acid(s) of the MSH6 protein (p.Met492del), but otherwise preserves the integrity of the reading frame. This variant is present in population databases (rs745312505, gnomAD 0.007%). This variant has been observed in individual(s) with clinical features of Lynch syndrome (PMID: 21520333, 25980754). ClinVar contains an entry for this variant (Variation ID: 142597). Experimental studies and prediction algorithms are not available or were not evaluated, and the functional significance of this variant is currently unknown. In summary, the available evidence is currently insufficient to determine the role of this variant in disease. Therefore, it has been classified as a Variant of Uncertain Significance.

Quest Diagnostics Nichols Institute San Juan Capistrano
Classification: Uncertain significance. Last evaluated: 2024-08-15. Review status: criteria provided, single submitter. Criteria: Quest Diagnostics criteria. Collection method: clinical testing. Allele origin: unknown.
Comment: The MSH6 c.1474_1476del (p.Met492del) variant has been reported in the published literature in individuals with breast cancer (PMID: 32885271 (2021), 25186627 (2015)) and a Lynch syndrome associated cancer and/or polyps (PMID: 25980754 (2015)). The frequency of this variant in the general population, 0.000004 (1/251194 chromosomes (Genome Aggregation Database)), is uninformative in the assessment of its pathogenicity. Based on the available information, we are unable to determine the clinical significance of this variant.

GeneDx
Classification: Uncertain significance. Last evaluated: 2024-07-16. Review status: criteria provided, single submitter. Criteria: GeneDx Variant Classification Process June 2021. Collection method: clinical testing. Allele origin: germline. Affected: yes.
Comment: In-frame deletion of 1 amino acid in a non-repeat region; In silico analysis supports a deleterious effect on protein structure/function; Not observed at significant frequency in large population cohorts (gnomAD); Located in the critical mismatch binding domain (PMID:17531815, 21120944); Identified in individuals with Lynch-related cancer and/or polyps (PMID: 25980754); In-silico analysis is inconclusive as to whether the variant alters gene splicing. In the absence of RNA/functional studies, the actual effect of this sequence change is unknown.; This variant is associated with the following publications: (PMID: 25980754, 17531815, 21120944)

Color Diagnostics, LLC DBA Color Health
Classification: Uncertain significance for Hereditary cancer-predisposing syndrome. Last evaluated: 2024-04-29. Review status: criteria provided, single submitter. Criteria: ACMG Guidelines, 2015. Collection method: clinical testing. Allele origin: germline.
Comment: This variant causes an in-frame deletion of a single amino acid of the MSH6 protein. To our knowledge, functional studies have not been performed for this variant. This variant has been reported in an individual affected with Lynch syndrome-associated cancer and/or polyps (PMID: 25980754) and in an individual affected with breast cancer (PMID: 32885271). This variant has been identified in 1/251194 chromosomes in the general population by the Genome Aggregation Database (gnomAD). The available evidence is insufficient to determine the role of this variant in disease conclusively. Therefore, this variant is classified as a Variant of Uncertain Significance.

Baylor Genetics
Classification: Uncertain significance for Endometrial carcinoma. Last evaluated: 2024-02-28. Review status: criteria provided, single submitter. Criteria: ACMG Guidelines, 2015. Collection method: clinical testing. Allele origin: unknown.

All of Us Research Program, National Institutes of Health
Classification: Uncertain significance for Lynch syndrome. Last evaluated: 2024-02-05. Review status: criteria provided, single submitter. Criteria: ACMG Guidelines, 2015. Collection method: clinical testing. Allele origin: germline. Inheritance: Autosomal dominant inheritance. Observed: 3 variant alleles, 3 heterozygotes.
Comment: This variant causes an in-frame deletion of a single amino acid of the MSH6 protein. Splice site prediction tools suggest that this variant may not impact RNA splicing. To our knowledge, functional studies have not been performed for this variant. This variant has been reported in an individual affected with Lynch syndrome-associated cancer and/or polyps (PMID: 25980754). This variant has been identified in 1/251194 chromosomes in the general population by the Genome Aggregation Database (gnomAD). The available evidence is insufficient to determine the role of this variant in disease conclusively. Therefore, this variant is classified as a Variant of Uncertain Significance.

This study involves interpretation of variants in research participants for the purpose of population health screening. Participant phenotype was not available at the time of variant classification. Additional details can be found in publication PMID: 35346344, PMCID: PMC8962531

Department of Pathology and Laboratory Medicine, Sinai Health System
Classification: Uncertain significance for Lynch syndrome. Review status: no assertion criteria provided. Collection method: clinical testing. Allele origin: unknown. Affected: yes. Observed: 1 variant allele. Study: The Canadian Open Genetics Repository (COGR). Not counted in ClinVar's aggregate classification.
Comment: The MSH6 p.Met492del variant was identified in 1 of 2520 proband chromosomes (frequency: 0.0004) from individuals or families with a history of Lynch syndrome associated cancer and/or polyps (Yurgelun_2015_25980754). The variant was also identified in dbSNP (ID: rs745312505) â€šÃ„ÃºWith Uncertain significance alleleâ€šÃ„Ã¹, ClinVar (classified as uncertain signficance by Ambry Genetics, GeneDx and Invitae), Clinvitae (3x), Insight Hereditary Tumors Database (2X), and in control databases in 1 of 245948 chromosomes at a frequency of 0.000004 (Genome Aggregation Database Feb 27, 2017), identified in the African population in 1 of 15302 chromosomes (freq: 0.00007), while not observed in the Ashkenazi Jewish, East Asian, European (Finnish), European (Non-Finnish), Latino, Other, and South Asian populations. The variant was not identified in GeneInsight-COGR, Cosmic, MutDB, UMD-LSDB, Insight Colon Cancer Gene Variant Database, Zhejiang Colon Cancer Database, or Mismatch Repair Genes Variant Database. This variant is an in-frame deletion resulting in the removal of a methionine (met) residue at codon 492; the impact of this alteration on MSH6 protein function is not known. The variant occurs outside of the splicing consensus sequence and in silico or computational prediction software programs (SpliceSiteFinder, MaxEntScan, NNSPLICE, GeneSplicer, HumanSpliceFinder) do not predict a difference in splicing. In summary, based on the above information the clinical significance of this variant cannot be determined with certainty at this time. This variant is classified as a variant of uncertain significance.

Literature cited by the submitters: PubMed 25980754 (cited by 5 submitters); PubMed 32885271 (cited by 3 submitters); PubMed 21520333 (cited by Labcorp Genetics (formerly Invitae), Labcorp); PubMed 25186627 (cited by Quest Diagnostics Nichols Institute San Juan Capistrano).

NM_000179.3(MSH6):c.1471ATG[1] (p.Met492del)

Gene: MSH6 (mutS homolog 6; plus strand). Cytogenetic location: 2p16.3.
Variant type: Microsatellite.
Coding change: c.1471ATG[1] on transcript NM_000179.3 (MANE Select); one copy of the 3-base unit ATG starting at c.1471; the reference has two copies in a row; one copy, 3 bases deleted; also written c.1474_1476del.
Protein change: p.Met492del; deletes methionine 492.
Molecular consequence: inframe deletion.
Genome position (GRCh38, 1-based): chr2:47,799,457-47,799,459, ATG deleted; deleting any 3 consecutive bases within chr2:47,799,454-47,799,459 gives the same sequence; the position shown is the placement nearest the transcript's 3' end. VCF-style (leftmost placement, unchanged base first): chr2-47799453-AATG-A. GRCh37 (hg19) VCF-style: chr2-48026592-AATG-A.
Other names: c.1474_1476del (NM_000179.3); c.565ATG[1], p.Met190del (NM_001281493.2, NM_001281494.2); c.1081ATG[1], p.Met362del (NM_001281492.2); c.1474_1476delATG (NM_000179.2); short protein forms M492del, M190del, M362del.
Identifiers: ClinVar variation 142597 (VCV000142597.32), dbSNP rs587782576, ClinGen allele CA008666.
Genomic context (GRCh38, chr2:47,799,453, plus strand): 5'-AGATTCCCTGGTGCAGAAGGGCTATAAAGTAGCACGAGTGGAACAGACTGAGACTCCAGA[AATG>A]ATGGAGGCACGATGTAGAAAGATGGCACATATATCCAAGTATGATAGAGTGGTGAGGAGG-3'